The following is an entry in ClinVar:

ClinVar aggregate classification (germline): Uncertain significance (1 of 4 stars; one submission).

Allele frequency attached by ClinVar (database versions not stated): gnomAD 0.00001.

Submissions (2):

CeGaT Center for Human Genetics Tuebingen
Classification: Uncertain significance. Last evaluated: 2024-05-01. Review status: criteria provided, single submitter. Criteria: CeGaT Center For Human Genetics Tuebingen Variant Classification Criteria Version 2. Collection method: clinical testing. Allele origin: germline. Affected: yes. Observed: 1 variant allele.
Comment: AARS1: PM2, BP4

Dr. Peter K. Rogan Lab, Western University
No classification provided (evidence only). Condition: Squamous cell carcinoma of the head and neck. Review status: no classification provided. Collection method: in vitro. Allele origin: not applicable. Functional consequence: skipped exon. Not counted in ClinVar's aggregate classification.

NM_001605.3(AARS1):c.333+5G>A

Gene: AARS1 (alanyl-tRNA synthetase 1; minus strand). Cytogenetic location: 16q22.1.
Variant type: single nucleotide variant.
Coding change: c.333+5G>A on transcript NM_001605.3 (MANE Select); 5 bases into the intron after coding-DNA position 333, G replaced by A.
Molecular consequence: intron variant.
Genome position (GRCh38, 1-based): chr16:70,276,961, C>T on the plus strand (G>A on the coding strand, the complement: AARS1 is on the minus strand). VCF-style: chr16-70276961-C-T. GRCh37 (hg19) VCF-style: chr16-70310864-C-T.
Other names: NC_000016.9:g.70310864C>T.
Identifiers: ClinVar variation 3239566 (VCV003239566.20), dbSNP rs1567610606.
Genomic context (GRCh38, chr16:70,276,961, plus strand): 5'-CAGTTCCCAGTGTGGAAAAGACCATTTTCCTCAAAACCCTAGTGGTTCTTCTGCTCTGAA[C>T]TTACCTTAAAGTAATCTCCAAAAGACCAAGAGCCCAGCATCTCGAAGAAGGTGTGATGAT-3'